The following is an entry in ClinVar:

ClinVar aggregate classification (germline): Likely benign (1 of 4 stars; one submission).

Submission:

CeGaT Center for Human Genetics Tuebingen
Classification: Likely benign. Last evaluated: 2025-03-01. Review status: criteria provided, single submitter. Criteria: CeGaT Center For Human Genetics Tuebingen Variant Classification Criteria Version 2. Collection method: clinical testing. Allele origin: germline. Affected: yes. Observed: 1 variant allele.
Comment: COA8: PM2:Supporting, BP4, BP7

NM_001370595.2(COA8):c.357T>C (p.Thr119=)

Gene: COA8 (cytochrome c oxidase assembly factor 8; plus strand). Cytogenetic location: 14q32.33.
Variant type: single nucleotide variant.
Coding change: c.357T>C on transcript NM_001370595.2 (MANE Select); coding-DNA position 357, T replaced by C.
Protein change: p.Thr119=; no amino-acid change (threonine 119 retained).
Molecular consequence: synonymous variant. On other transcripts: non-coding transcript variant (1).
Genome position (GRCh38, 1-based): chr14:103,574,142, T>C. VCF-style: chr14-103574142-T-C. GRCh37 (hg19) VCF-style: chr14-104040479-T-C.
Other names: c.357T>C, p.Thr119= (NM_001302653.2, NM_001302654.2).
Identifiers: ClinVar variation 3778571 (VCV003778571.7).